The following is an entry in ClinVar:

NM_000159.4(GCDH):c.1244-11A>G

Genes: GCDH (glutaryl-CoA dehydrogenase; plus strand), SYCE2 (synaptonemal complex central element protein 2; minus strand), LOC126862860 (BRD4-independent group 4 enhancer GRCh37_chr19:13010146-13011345; plus strand). Cytogenetic location: 19p13.13.
Variant type: single nucleotide variant.
Coding change: c.1244-11A>G on transcript NM_000159.4 (MANE Select); 11 bases into the intron before coding-DNA position 1244, A replaced by G.
Molecular consequence: intron variant.
Genome position (GRCh38, 1-based): chr19:12,899,457, A>G. VCF-style: chr19-12899457-A-G. GRCh37 (hg19) VCF-style: chr19-13010271-A-G.
Other names: c.1244-243A>G (NM_013976.5); c.613-72T>C (NM_001105578.2).
Identifiers: ClinVar variation 4292149 (VCV004292149.1).
Genomic context (GRCh38, chr19:12,899,457, plus strand): 5'-TGAAAATTGATTTTAAAGGGAAGTTGTGAGCTATGAAAACTCCAAACCGACTCTGTATTA[A>G]TCTTGTCCAGGTACACATGACATTCACGCCCTGATCCTTGGGAGAGCTATCACGGGAATC-3'

ClinVar aggregate classification (germline): Pathogenic (1 of 4 stars; one submission).

Conditions:
Glutaric aciduria, type 1. Also called: Glutaricaciduria, type I; Glutaricacidemia Type 1; GA I; Glutaric Acidemia Type 1; Glutaryl-CoA dehydrogenase deficiency; Glutaric acidemia type I. Identifiers: Orphanet 25, MedGen C0268595, MONDO:0009281, OMIM 231670.

Submission:

3billion
Classification: Pathogenic for Glutaric aciduria, type 1. Last evaluated: 2025-03-06. Review status: criteria provided, single submitter. Criteria: ACMG Guidelines, 2015. Collection method: clinical testing. Allele origin: germline. Affected: yes.
Comment: The variant is not observed in the gnomAD v4.1.0 dataset. Predicted Consequence/Location: Intron variant Functional studies provide strong evidence of the variant having a damaging effect on the gene or gene product (PMID: 26656312). In silico tools predict the variant to alter splicing and produce an abnormal transcript [SpliceAI: 0.75 (>=0.2, moderate evidence for spliceogenicity)]. The variant has been reported to be in trans with a pathogenic variant as either compound heterozygous or homozygous in at least one similarly affected unrelated individual (PMID: 26656312). The variant has been reported to be associated with GCDH-related disorder (PMID: 26656312). Therefore, this variant is classified as Pathogenic according to the recommendation of ACMG/AMP guideline.

Literature cited by the submitters: PubMed 26656312.